The following is an entry in ClinVar:

NM_002294.3(LAMP2):c.1117G>T (p.Asp373Tyr)

Gene: LAMP2 (lysosomal associated membrane protein 2; minus strand). Cytogenetic location: Xq24.
Variant type: single nucleotide variant.
Coding change: c.1117G>T on transcript NM_002294.3 (MANE Select); coding-DNA position 1117, G replaced by T.
Protein change: p.Asp373Tyr; replaces aspartic acid 373 with tyrosine.
Molecular consequence: missense variant. On other transcripts: intron variant (1).
Genome position (GRCh38, 1-based): chrX:120,431,439, C>A on the plus strand (G>T on the coding strand, the complement: LAMP2 is on the minus strand). VCF-style: chrX-120431439-C-A. GRCh37 (hg19) VCF-style: chrX-119565294-C-A.
Other names: c.1094-2813G>T (NM_001122606.1); short protein forms D373Y.
Identifiers: ClinVar variation 3222064 (VCV003222064.1), dbSNP rs727503117, ClinGen allele CA10505173.

ClinVar aggregate classification (germline): Uncertain significance (1 of 4 stars; one submission).

Conditions:
Cardiovascular phenotype. Identifiers: MedGen CN230736.

Allele frequency attached by ClinVar (database versions not stated): ExAC 0.00001.
gnomAD v4.1: 3 of 1,210,123 alleles (0.00025%); highest among the groups gnomAD compares: Non-Finnish European, 0.00034%; no homozygotes.

Submission:

Ambry Genetics
Classification: Uncertain significance for Cardiovascular phenotype. Last evaluated: 2023-10-25. Review status: criteria provided, single submitter. Criteria: Ambry Variant Classification Scheme 2023. Collection method: clinical testing. Allele origin: germline.
Comment: The p.D373Y variant (also known as c.1117G>T), located in coding exon 9 of the LAMP2 gene, results from a G to T substitution at nucleotide position 1117. The aspartic acid at codon 373 is replaced by tyrosine, an amino acid with highly dissimilar properties. Based on data from gnomAD, the T allele has an overall frequency of <0.01% (1/181117) total alleles studied, with 0 hemizygote(s) observed. The highest observed frequency was <0.01% (1/79656) of European (non-Finnish) alleles. This amino acid position is well conserved in available vertebrate species. In addition, this alteration is predicted to be tolerated by in silico analysis. Since supporting evidence is limited at this time, the clinical significance of this alteration remains unclear.